The following is an entry in ClinVar:

ClinVar aggregate classification (germline): Uncertain significance. Review status: criteria provided, multiple submitters, no conflicts (2 of 4 stars). 3 submissions from 3 submitters: Uncertain significance (2). 1 of the submissions does not count toward it. Last evaluated 2023-06-27.

Conditions:
Marden-Walker syndrome (MWKS). Also called: Connective tissue disorder Marden Walker type. Identifiers: Orphanet 2461, MedGen C0796033, MONDO:0009564, OMIM 248700.
Arthrogryposis- oculomotor limitation-electroretinal anomalies syndrome. Also called: ARTHROGRYPOSIS WITH OCULOMOTOR LIMITATION AND ELECTRORETINAL ABNORMALITIES; ARTHROGRYPOSIS, DISTAL, TYPE IIB; ARTHROGRYPOSIS, DISTAL, TYPE 5. Identifiers: Orphanet 1154, MedGen C1862472, MONDO:0007158, OMIM 108145.

Submissions (3):

Pittsburgh Clinical Genomics Laboratory, University of Pittsburgh Medical Center
Classification: Uncertain significance for Marden-Walker syndrome. Last evaluated: 2023-06-27. Review status: criteria provided, single submitter. Criteria: ACMG Guidelines, 2015. Collection method: clinical testing. Allele origin: germline. Inheritance: Autosomal unknown. Affected: yes.
Comment: This sequence variant is a single nucleotide substitution (C>T) at position 7067 of the coding sequence of the PIEZO2 gene that results in a threonine to methionine amino acid change at residue 2356 of the piezo type mechanosensitive ion channel component 2 protein. The 2356 residue falls in the anchor domain (PMID: 33422128) which contributes to the maintence of PIEZO2's ion conducting pore. This is a previously reported variant (ClinVar 235840) that has been observed to segregate with distal arthrogryposis type 5 across 4 individuals in a 3 generation pedigree (PMID: 24726473); all affected individuals had contractures of the hands and feet, ptosis, and ophthalmoplegia. In addition, this variant was detected in an uffected individual during preconception screening (PMID: 31589614). This variant is absent from the gnomAD population database (0 of approximately 250,000 alleles). Multiple bioinformatic tools predict that this threonine to methionine amino acid change would be damaging, and the threonine residue at this position is highly conserved across the vertebrate species examined. Studies examining the functiol consequence of this variant have not been published, to our knowledge. At this time, there is insufficient evidence to determine if this variant is pathogenic or benign. Therefore, we consider this a variant of uncertain significance. ACMG Criteria: PM2, PP1, PP3

GeneDx
Classification: Uncertain significance. Last evaluated: 2023-06-26. Review status: criteria provided, single submitter. Criteria: GeneDx Variant Classification Process June 2021. Collection method: clinical testing. Allele origin: germline. Affected: yes.
Comment: Not observed at significant frequency in large population cohorts (gnomAD); In silico analysis supports that this missense variant has a deleterious effect on protein structure/function; This variant is associated with the following publications: (PMID: 31589614, 27245685, 30988732, 26008989, 36588752, 24726473, 27743844, 33060286, 30285720, 26259784, 33610426, 32153140)

University of Washington Center for Mendelian Genomics, University of Washington
Classification: Pathogenic for Arthrogryposis- oculomotor limitation-electroretinal anomalies syndrome. Last evaluated: 2014-06-04. Review status: no assertion criteria provided. Collection method: research. Allele origin: inherited. Affected: yes. Not counted in ClinVar's aggregate classification.

Literature cited by the submitters: PubMed 33422128 (cited by Pittsburgh Clinical Genomics Laboratory, University of Pittsburgh Medical Center); PubMed 31589614 (cited by Pittsburgh Clinical Genomics Laboratory, University of Pittsburgh Medical Center); PubMed 24726473 (cited by Pittsburgh Clinical Genomics Laboratory, University of Pittsburgh Medical Center and University of Washington Center for Mendelian Genomics, University of Washington).

NM_001378183.1(PIEZO2):c.7406C>T (p.Thr2469Met)

Gene: PIEZO2 (piezo type mechanosensitive ion channel component 2; minus strand). Cytogenetic location: 18p11.22.
Variant type: single nucleotide variant.
Coding change: c.7406C>T on transcript NM_001378183.1 (MANE Select); coding-DNA position 7406, C replaced by T.
Protein change: p.Thr2469Met; replaces threonine 2469 with methionine.
Molecular consequence: missense variant.
Genome position (GRCh38, 1-based): chr18:10,689,746, G>A on the plus strand (C>T on the coding strand, the complement: PIEZO2 is on the minus strand). VCF-style: chr18-10689746-G-A. GRCh37 (hg19) VCF-style: chr18-10689744-G-A.
Other names: c.7067C>T (NM_022068.3); c.7067C>T, p.Thr2356Met (NM_022068.4); short protein forms T2356M, T2469M.
Identifiers: ClinVar variation 235840 (VCV000235840.3), dbSNP rs878853137, ClinGen allele CA10581451.
Genomic context (GRCh38, chr18:10,689,746, plus strand): 5'-AATATGTGAGCATAGATGTCCTCCACACAGATCCAGCTGGACAGGCTCAAAGTTGTGTCC[G>A]TCCACACCCAGTCCATCACTGCCCTCAGCTCAGTCAAAAAGGGCACGAGGCGAAACCTGG-3'
Protein context (NP_001365112.1, residues 2459-2479): ELRAVMDWVW[Thr2469Met]DTTLSLSSWI